The following is an entry in ClinVar:

NM_003737.4(DCHS1):c.9595A>G (p.Ile3199Val)

Gene: DCHS1 (dachsous cadherin-related 1; minus strand). Cytogenetic location: 11p15.4.
Variant type: single nucleotide variant.
Coding change: c.9595A>G on transcript NM_003737.4 (MANE Select); coding-DNA position 9595, A replaced by G.
Protein change: p.Ile3199Val; replaces isoleucine 3199 with valine.
Molecular consequence: missense variant.
Genome position (GRCh38, 1-based): chr11:6,622,081, T>C on the plus strand (A>G on the coding strand, the complement: DCHS1 is on the minus strand). VCF-style: chr11-6622081-T-C. GRCh37 (hg19) VCF-style: chr11-6643312-T-C.
Other names: c.9595A>G (NM_003737.3); short protein forms I3199V.
Identifiers: ClinVar variation 2400265 (VCV002400265.7), dbSNP rs777169716, ClinGen allele CA5859218.

ClinVar aggregate classification (germline): Uncertain significance. Review status: criteria provided, multiple submitters, no conflicts (2 of 4 stars). 3 submissions from 3 submitters: Uncertain significance (3). Last evaluated 2025-10-19.

Conditions:
Inborn genetic diseases. Identifiers: MedGen C0950123, MeSH D030342.
DCHS1-related disorder. Also called: DCHS1-related condition.

Allele frequency attached by ClinVar (database versions not stated): gnomAD exomes below 0.00001; gnomAD 0.00001; ExAC 0.00002; TOPMed 0.00002.

Submissions (3):

PreventionGenetics, part of Exact Sciences
Classification: Uncertain significance for DCHS1-related condition. Last evaluated: 2025-10-19. Review status: criteria provided, single submitter. Criteria: ACMG Guidelines, 2015. Collection method: clinical testing. Allele origin: germline.
Comment: The DCHS1 c.9595A>G variant is predicted to result in the amino acid substitution p.Ile3199Val. To our knowledge, this variant has not been reported in the literature. This variant is reported in 0.0029% of alleles in individuals of Latino descent in gnomAD. At this time, the clinical significance of this variant is uncertain due to the absence of conclusive functional and genetic evidence.

Labcorp Genetics (formerly Invitae), Labcorp
Classification: Uncertain significance. Last evaluated: 2025-02-03. Review status: criteria provided, single submitter. Criteria: Invitae Variant Classification Sherloc (09022015). Collection method: clinical testing. Allele origin: germline.
Comment: This sequence change replaces isoleucine, which is neutral and non-polar, with valine, which is neutral and non-polar, at codon 3199 of the DCHS1 protein (p.Ile3199Val). This variant is present in population databases (rs777169716, gnomAD 0.003%). This variant has not been reported in the literature in individuals affected with DCHS1-related conditions. ClinVar contains an entry for this variant (Variation ID: 2400265). Invitae Evidence Modeling of protein sequence and biophysical properties (such as structural, functional, and spatial information, amino acid conservation, physicochemical variation, residue mobility, and thermodynamic stability) indicates that this missense variant is not expected to disrupt DCHS1 protein function with a negative predictive value of 95%. In summary, the available evidence is currently insufficient to determine the role of this variant in disease. Therefore, it has been classified as a Variant of Uncertain Significance.

Ambry Genetics
Classification: Uncertain significance for Inborn genetic diseases. Last evaluated: 2025-01-09. Review status: criteria provided, single submitter. Criteria: Ambry Variant Classification Scheme 2023. Collection method: clinical testing. Allele origin: germline.